The following is an entry in ClinVar:

ClinVar aggregate classification (germline): Uncertain significance (1 of 4 stars; one submission).

Conditions:
Jeune thoracic dystrophy. Also called: Jeune syndrome; Infantile thoracic dystrophy; Thoracic pelvic phalangeal dystrophy; Jeune's syndrome; Chondroectodermal dysplasia-like syndrome; Short-rib thoracic dysplasia. Identifiers: Orphanet 474, MedGen C0265275, MONDO:0018770.

Allele frequency attached by ClinVar (database versions not stated): gnomAD exomes below 0.00001; ExAC 0.00002.
gnomAD v4.1: 5 of 1,613,680 alleles (0.00031%); highest among the groups gnomAD compares: Admixed American, 0.005%; no homozygotes.

Submission:

Labcorp Genetics (formerly Invitae), Labcorp
Classification: Uncertain significance for Jeune thoracic dystrophy. Last evaluated: 2022-05-12. Review status: criteria provided, single submitter. Criteria: Invitae Variant Classification Sherloc (09022015). Collection method: clinical testing. Allele origin: germline.
Comment: This sequence change affects codon 585 of the DYNC2H1 mRNA. It is a 'silent' change, meaning that it does not change the encoded amino acid sequence of the DYNC2H1 protein. This variant is present in population databases (rs766162022, gnomAD 0.01%). This variant has not been reported in the literature in individuals affected with DYNC2H1-related conditions. Algorithms developed to predict the effect of sequence changes on RNA splicing suggest that this variant may create or strengthen a splice site. In summary, the available evidence is currently insufficient to determine the role of this variant in disease. Therefore, it has been classified as a Variant of Uncertain Significance.

NM_001377.3(DYNC2H1):c.1755A>G (p.Glu585=)

Gene: DYNC2H1 (dynein cytoplasmic 2 heavy chain 1; plus strand). Cytogenetic location: 11q22.3.
Variant type: single nucleotide variant.
Coding change: c.1755A>G on transcript NM_001377.3 (MANE Select); coding-DNA position 1755, A replaced by G.
Protein change: p.Glu585=; no amino-acid change (glutamic acid 585 retained).
Molecular consequence: synonymous variant.
Genome position (GRCh38, 1-based): chr11:103,125,193, A>G. VCF-style: chr11-103125193-A-G. GRCh37 (hg19) VCF-style: chr11-102995922-A-G.
Other names: c.1755A>G, p.Glu585= (NM_001080463.2).
Identifiers: ClinVar variation 2051367 (VCV002051367.1), dbSNP rs766162022, ClinGen allele CA6252873.